The following is an entry in ClinVar:

NM_014370.4(SRPK3):c.190+2T>C

Gene: SRPK3 (SRSF protein kinase 3; plus strand). Cytogenetic location: Xq28.
Variant type: single nucleotide variant.
Coding change: c.190+2T>C on transcript NM_014370.4 (MANE Select); the canonical splice donor site of the intron after coding-DNA position 190, T replaced by C.
Molecular consequence: splice donor variant.
Genome position (GRCh38, 1-based): chrX:153,781,348, T>C. VCF-style: chrX-153781348-T-C. GRCh37 (hg19) VCF-style: chrX-153046803-T-C.
Other names: c.190+2T>C (NM_001170760.2, NM_001170761.2).
Identifiers: ClinVar variation 5040134 (VCV005040134.1).
Genomic context (GRCh38, chrX:153,781,348, plus strand): 5'-GCAGGGCCTTCTGGGCTCCGACGACGAGGAACAGGAAGACCCCAAAGACTACTGCAAGGG[T>C]GAGACTTGGCCTTGGGGACATGCGGCCTCACGGCCACTGCAGGGACCCAGGGCAGTCCTG-3'

ClinVar aggregate classification (germline): Uncertain significance (1 of 4 stars; one submission).

gnomAD v4.1: 1 of 1,189,167 alleles (0.000084%); highest among the groups gnomAD compares: Non-Finnish European, 0.00011%; no homozygotes.

Submission:

CeGaT Center for Human Genetics Tuebingen
Classification: Uncertain significance. Last evaluated: 2026-07-01. Review status: criteria provided, single submitter. Criteria: CeGaT Center For Human Genetics Tuebingen Variant Classification Criteria Version 2. Collection method: clinical testing. Allele origin: germline. Affected: yes. Observed: 1 variant allele.
Comment: SRPK3: PM2, PP3